The following is an entry in ClinVar:

ClinVar aggregate classification (germline): Conflicting classifications of pathogenicity. Review status: criteria provided, conflicting classifications (1 of 4 stars). 5 submissions from 5 submitters: Uncertain significance (3); Likely benign (2). Last evaluated 2026-06-01.

Conditions:
Benign neonatal seizures. Also called: Benign neonatal familial convulsions; Benign familial neonatal epilepsy; Benign familial neonatal seizures; Convulsions benign familial neonatal dominant form; Autosomal dominant form of benign neonatal seizures. Identifiers: Orphanet 1949, MedGen C0220669, MONDO:0016027.

Allele frequency attached by ClinVar (database versions not stated): ExAC 0.00002; gnomAD exomes 0.00002 and 0.00003; ESP Exome Variant Server 0.00008; gnomAD 0.00009; TOPMed 0.00011.
gnomAD v4.1: 42 of 1,614,040 alleles (0.0026%); highest among the groups gnomAD compares: African/African-American, 0.025%; no homozygotes.

Submissions (5):

CeGaT Center for Human Genetics Tuebingen
Classification: Uncertain significance. Last evaluated: 2026-06-01. Review status: criteria provided, single submitter. Criteria: CeGaT Center For Human Genetics Tuebingen Variant Classification Criteria Version 2. Collection method: clinical testing. Allele origin: germline. Affected: yes. Observed: 2 variant alleles.

Labcorp Genetics (formerly Invitae), Labcorp
Classification: Uncertain significance for Benign neonatal seizures. Last evaluated: 2026-01-11. Review status: criteria provided, single submitter. Criteria: Invitae Variant Classification Sherloc (09022015). Collection method: clinical testing. Allele origin: germline.
Comment: This sequence change replaces threonine, which is neutral and polar, with methionine, which is neutral and non-polar, at codon 746 of the KCNQ3 protein (p.Thr746Met). The frequency data for this variant in the population databases is considered unreliable, as metrics indicate poor data quality at this position in the gnomAD database. This missense change has been observed in individual(s) with focal epilepsy (PMID: 32086284). ClinVar contains an entry for this variant (Variation ID: 430518). Invitae Evidence Modeling of protein sequence and biophysical properties (such as structural, functional, and spatial information, amino acid conservation, physicochemical variation, residue mobility, and thermodynamic stability) indicates that this missense variant is not expected to disrupt KCNQ3 protein function with a negative predictive value of 95%. In summary, the available evidence is currently insufficient to determine the role of this variant in disease. Therefore, it has been classified as a Variant of Uncertain Significance.

Women's Health and Genetics/Laboratory Corporation of America, LabCorp
Classification: Uncertain significance. Last evaluated: 2025-04-21. Review status: criteria provided, single submitter. Criteria: LabCorp Variant Classification Summary - May 2015. Collection method: clinical testing. Allele origin: germline.
Comment: Variant summary: KCNQ3 c.2237C>T (p.Thr746Met) results in a non-conservative amino acid change in the encoded protein sequence. Four of five in-silico tools predict a damaging effect of the variant on protein function. The variant allele was found at a frequency of 3.2e-05 in 251102 control chromosomes. The available data on variant occurrences in the general population are insufficient to allow any conclusion about variant significance. c.2237C>T has been observed in individual(s) affected with focal epilepsy (Krenn_2020). These report(s) do not provide unequivocal conclusions about association of the variant with Benign Familial Neonatal Seizures 2. To our knowledge, no experimental evidence demonstrating an impact on protein function has been reported. The following publication have been ascertained in the context of this evaluation (PMID: 32086284). ClinVar contains an entry for this variant (Variation ID: 430518). Based on the evidence outlined above, the variant was classified as uncertain significance.

Blueprint Genetics
Classification: Likely benign. Last evaluated: 2024-10-01. Review status: criteria provided, single submitter. Criteria: ACMG Guidelines, 2015. Collection method: clinical testing. Allele origin: germline.

GeneDx
Classification: Likely benign. Last evaluated: 2021-04-07. Review status: criteria provided, single submitter. Criteria: GeneDx Variant Classification Process June 2021. Collection method: clinical testing. Allele origin: germline. Affected: yes.
Comment: This variant is associated with the following publications: (PMID: 32086284)

Literature cited by the submitters: PubMed 32086284 (cited by Labcorp Genetics (formerly Invitae), Labcorp and Women's Health and Genetics/Laboratory Corporation of America, LabCorp).

NM_004519.4(KCNQ3):c.2237C>T (p.Thr746Met)

Gene: KCNQ3 (potassium voltage-gated channel subfamily Q member 3; minus strand). Cytogenetic location: 8q24.22.
Variant type: single nucleotide variant.
Coding change: c.2237C>T on transcript NM_004519.4 (MANE Select); coding-DNA position 2237, C replaced by T.
Protein change: p.Thr746Met; replaces threonine 746 with methionine.
Molecular consequence: missense variant.
Genome position (GRCh38, 1-based): chr8:132,129,644, G>A on the plus strand (C>T on the coding strand, the complement: KCNQ3 is on the minus strand). VCF-style: chr8-132129644-G-A. GRCh37 (hg19) VCF-style: chr8-133141891-G-A.
Other names: c.1877C>T, p.Thr626Met (NM_001204824.2); short protein forms T746M, T626M.
Identifiers: ClinVar variation 430518 (VCV000430518.53), dbSNP rs375833070, ClinGen allele CA4880486.